The following is an entry in ClinVar:

NM_014049.5(ACAD9):c.*8G>A

Genes: ACAD9 (acyl-CoA dehydrogenase family member 9; plus strand), CFAP92 (cilia and flagella associated protein 92 (putative); minus strand). Cytogenetic location: 3q21.3.
Variant type: single nucleotide variant.
Coding change: c.*8G>A on transcript NM_014049.5 (MANE Select); 8 bases downstream of the stop codon, G replaced by A.
Molecular consequence: 3 prime UTR variant. On other transcripts: non-coding transcript variant (1), intron variant (3).
Genome position (GRCh38, 1-based): chr3:128,912,615, G>A. VCF-style: chr3-128912615-G-A. GRCh37 (hg19) VCF-style: chr3-128631458-G-A.
Other names: c.*8G>A (NM_001410805.1); c.2312-2282C>T (NM_001348521.2); c.2408-2282C>T (NM_001348520.2); c.3281-2282C>T (NM_001394090.1).
Identifiers: ClinVar variation 383734 (VCV000383734.2), dbSNP rs760678257, ClinGen allele CA2601739.

ClinVar aggregate classification (germline): Likely benign (1 of 4 stars; one submission).

Allele frequency attached by ClinVar (database versions not stated): ExAC 0.00001; TOPMed 0.00002; gnomAD exomes 0.00005.
gnomAD v4.1: 18 of 1,612,418 alleles (0.0011%); highest among the groups gnomAD compares: Admixed American, 0.022%; no homozygotes.

Submission:

GeneDx
Classification: Likely benign. Last evaluated: 2016-02-23. Review status: criteria provided, single submitter. Criteria: GeneDx Variant Classification (06012015). Collection method: clinical testing. Allele origin: germline. Affected: yes.
Comment: This variant is considered likely benign or benign based on one or more of the following criteria: it is a conservative change, it occurs at a poorly conserved position in the protein, it is predicted to be benign by multiple in silico algorithms, and/or has population frequency not consistent with disease.